The following is an entry in ClinVar:

ClinVar aggregate classification (germline): Uncertain significance (1 of 4 stars; one submission).

Allele frequency attached by ClinVar (database versions not stated): gnomAD exomes below 0.00001.
gnomAD v4.1: 1 of 1,614,178 alleles (0.000062%); highest among the groups gnomAD compares: South Asian, 0.0011%; no homozygotes.

Submission:

Labcorp Genetics (formerly Invitae), Labcorp
Classification: Uncertain significance. Last evaluated: 2021-12-02. Review status: criteria provided, single submitter. Criteria: Invitae Variant Classification Sherloc (09022015). Collection method: clinical testing. Allele origin: germline.
Comment: This sequence change replaces alanine, which is neutral and non-polar, with threonine, which is neutral and polar, at codon 110 of the NTRK2 protein (p.Ala110Thr). In summary, the available evidence is currently insufficient to determine the role of this variant in disease. Therefore, it has been classified as a Variant of Uncertain Significance. Advanced modeling of protein sequence and biophysical properties (such as structural, functional, and spatial information, amino acid conservation, physicochemical variation, residue mobility, and thermodynamic stability) performed at Invitae indicates that this missense variant is expected to disrupt NTRK2 protein function. This variant has not been reported in the literature in individuals affected with NTRK2-related conditions. This variant is present in population databases (no rsID available, gnomAD 0.003%).

NM_006180.6(NTRK2):c.328G>A (p.Ala110Thr)

Gene: NTRK2 (neurotrophic receptor tyrosine kinase 2; plus strand). Cytogenetic location: 9q21.33.
Variant type: single nucleotide variant.
Coding change: c.328G>A on transcript NM_006180.6 (MANE Select); coding-DNA position 328, G replaced by A.
Protein change: p.Ala110Thr; replaces alanine 110 with threonine.
Molecular consequence: missense variant. On other transcripts: 5 prime UTR variant (4).
Genome position (GRCh38, 1-based): chr9:84,702,388, G>A. VCF-style: chr9-84702388-G-A. GRCh37 (hg19) VCF-style: chr9-87317303-G-A.
Other names: c.328G>A, p.Ala110Thr (NM_001007097.3, NM_001018064.3, NM_001018065.2 and 19 more transcripts); c.-141G>A (NM_001369535.1, NM_001369536.1, NM_001369550.1 and 1 more transcripts); short protein forms A110T.
Identifiers: ClinVar variation 2023628 (VCV002023628.4), dbSNP rs1303772589, ClinGen allele CA374005265.